The following is an entry in ClinVar:

ClinVar aggregate classification (germline): Uncertain significance. Review status: criteria provided, multiple submitters, no conflicts (2 of 4 stars). 2 submissions from 2 submitters: Uncertain significance (2). Last evaluated 2025-10-21.

Conditions:
Inborn genetic diseases. Identifiers: MedGen C0950123, MeSH D030342.

gnomAD v4.1: 11 of 1,613,842 alleles (0.00068%); highest among the groups gnomAD compares: Admixed American, 0.0017%; no homozygotes.

Submissions (2):

Ambry Genetics
Classification: Uncertain significance for Inborn genetic diseases. Last evaluated: 2025-10-21. Review status: criteria provided, single submitter. Criteria: Ambry Variant Classification Scheme 2023. Collection method: clinical testing. Allele origin: germline.

Labcorp Genetics (formerly Invitae), Labcorp
Classification: Uncertain significance. Last evaluated: 2025-08-03. Review status: criteria provided, single submitter. Criteria: Invitae Variant Classification Sherloc (09022015). Collection method: clinical testing. Allele origin: germline.
Comment: This sequence change replaces threonine, which is neutral and polar, with isoleucine, which is neutral and non-polar, at codon 2014 of the CACNA1D protein (p.Thr2014Ile). This variant is not present in population databases (gnomAD no frequency). This variant has not been reported in the literature in individuals affected with CACNA1D-related conditions. An algorithm developed to predict the effect of missense changes on protein structure and function (PolyPhen-2) suggests that this variant is likely to be tolerated. In summary, the available evidence is currently insufficient to determine the role of this variant in disease. Therefore, it has been classified as a Variant of Uncertain Significance.

NM_001128840.3(CACNA1D):c.5981C>T (p.Thr1994Ile)

Gene: CACNA1D (calcium voltage-gated channel subunit alpha1 D; plus strand). Cytogenetic location: 3p21.1.
Variant type: single nucleotide variant.
Coding change: c.5981C>T on transcript NM_001128840.3 (MANE Select); coding-DNA position 5981, C replaced by T.
Protein change: p.Thr1994Ile; replaces threonine 1994 with isoleucine.
Molecular consequence: missense variant.
Genome position (GRCh38, 1-based): chr3:53,810,087, C>T. VCF-style: chr3-53810087-C-T. GRCh37 (hg19) VCF-style: chr3-53844114-C-T.
Other names: c.5909C>T, p.Thr1970Ile (NM_001128839.3); c.6041C>T, p.Thr2014Ile (NM_000720.4); short protein forms T2014I, T1994I, T1970I.
Identifiers: ClinVar variation 4602632 (VCV004602632.2).
Genomic context (GRCh38, chr3:53,810,087, plus strand): 5'-CGAGTCACTCGACCCGGTCGTGGGCCACCCCTCCAGCAACCCCTCCCTACCGGGACTGGA[C>T]ACCGTGCTACACCCCCCTGATCCAAGTGGAGCAGTCAGAGGCCCTGGACCAGGTGAACGG-3'
Protein context (NP_001122312.1, residues 1984-2004): PPATPPYRDW[Thr1994Ile]PCYTPLIQVE